The following is an entry in ClinVar:

NM_014055.4(IFT81):c.248T>C (p.Met83Thr)

Gene: IFT81 (intraflagellar transport 81; plus strand). Cytogenetic location: 12q24.11.
Variant type: single nucleotide variant.
Coding change: c.248T>C on transcript NM_014055.4 (MANE Select); coding-DNA position 248, T replaced by C.
Protein change: p.Met83Thr; replaces methionine 83 with threonine.
Molecular consequence: missense variant. On other transcripts: 5 prime UTR variant (2), non-coding transcript variant (4).
Genome position (GRCh38, 1-based): chr12:110,128,149, T>C. VCF-style: chr12-110128149-T-C. GRCh37 (hg19) VCF-style: chr12-110565954-T-C.
Other names: c.248T>C, p.Met83Thr (NM_001143779.2, NM_001347946.2, NM_031473.4); c.-519T>C (NM_001347947.2, NM_001347948.2); short protein forms M83T.
Identifiers: ClinVar variation 1481265 (VCV001481265.5), dbSNP rs759948710, ClinGen allele CA6783025.

ClinVar aggregate classification (germline): Uncertain significance (1 of 4 stars; one submission).

Allele frequency attached by ClinVar (database versions not stated): gnomAD 0.00001; TOPMed 0.00001; ExAC 0.00002; gnomAD exomes 0.00003.
gnomAD v4.1: 8 of 1,566,830 alleles (0.00051%); highest among the groups gnomAD compares: Admixed American, 0.01%; no homozygotes.

Submission:

Labcorp Genetics (formerly Invitae), Labcorp
Classification: Uncertain significance. Last evaluated: 2022-08-16. Review status: criteria provided, single submitter. Criteria: Invitae Variant Classification Sherloc (09022015). Collection method: clinical testing. Allele origin: germline.
Comment: This sequence change replaces methionine, which is neutral and non-polar, with threonine, which is neutral and polar, at codon 83 of the IFT81 protein (p.Met83Thr). This variant is present in population databases (rs759948710, gnomAD 0.01%). This variant has not been reported in the literature in individuals affected with IFT81-related conditions. ClinVar contains an entry for this variant (Variation ID: 1481265). Algorithms developed to predict the effect of missense changes on protein structure and function are either unavailable or do not agree on the potential impact of this missense change (SIFT: "Deleterious"; PolyPhen-2: "Benign"; Align-GVGD: "Class C0"). In summary, the available evidence is currently insufficient to determine the role of this variant in disease. Therefore, it has been classified as a Variant of Uncertain Significance.